The following is an entry in ClinVar:

ClinVar aggregate classification (germline): Likely benign. Review status: criteria provided, multiple submitters, no conflicts (2 of 4 stars). 3 submissions from 3 submitters: Likely benign (2). 1 of the submissions does not count toward it. Last evaluated 2025-06-08.

Conditions:
Tuberous sclerosis 2 (TSC2). Identifiers: Orphanet 805, MedGen C1860707, MONDO:0013199, OMIM 613254.
TSC2-related disorder. Also called: TSC2-related condition; TSC2-Related Disorders.
Hereditary cancer-predisposing syndrome. Also called: Neoplastic Syndromes, Hereditary; Tumor predisposition; Hereditary neoplastic syndrome; Hereditary Cancer Syndrome. Identifiers: Orphanet 140162, MedGen C0027672, MeSH D009386, MONDO:0015356.

gnomAD v4.1: 1 of 1,613,576 alleles (0.000062%); highest among the groups gnomAD compares: Non-Finnish European, 0.000085%; no homozygotes.

Submissions (3):

Labcorp Genetics (formerly Invitae), Labcorp
Classification: Likely benign for Tuberous sclerosis 2. Last evaluated: 2025-06-08. Review status: criteria provided, single submitter. Criteria: Invitae Variant Classification Sherloc (09022015). Collection method: clinical testing. Allele origin: germline.

Ambry Genetics
Classification: Likely benign for Hereditary cancer-predisposing syndrome. Last evaluated: 2024-01-11. Review status: criteria provided, single submitter. Criteria: Ambry Variant Classification Scheme 2023. Collection method: clinical testing. Allele origin: germline.

PreventionGenetics, part of Exact Sciences
Classification: Likely benign for TSC2-related condition. Last evaluated: 2022-11-12. Review status: no assertion criteria provided. Collection method: clinical testing. Allele origin: germline. Not counted in ClinVar's aggregate classification.
Comment: This variant is classified as likely benign based on ACMG/AMP sequence variant interpretation guidelines (Richards et al. 2015 PMID: 25741868, with internal and published modifications).

NM_000548.5(TSC2):c.2259C>G (p.Ala753=)

Gene: TSC2 (TSC complex subunit 2; plus strand). Cytogenetic location: 16p13.3.
Variant type: single nucleotide variant.
Coding change: c.2259C>G on transcript NM_000548.5 (MANE Select); coding-DNA position 2259, C replaced by G.
Protein change: p.Ala753=; no amino-acid change (alanine 753 retained).
Molecular consequence: synonymous variant. On other transcripts: non-coding transcript variant (5).
Genome position (GRCh38, 1-based): chr16:2,072,887, C>G. VCF-style: chr16-2072887-C-G. GRCh37 (hg19) VCF-style: chr16-2122888-C-G.
Other names: c.2259C>G, p.Ala753= (NM_001077183.3, NM_001114382.3, NM_001363528.2 and 6 more transcripts); c.2148C>G, p.Ala716= (NM_001318827.2, NM_001406670.1, NM_001406678.1); c.2112C>G, p.Ala704= (NM_001318829.2, NM_001406675.1, NM_001406676.1 and 1 more transcripts); c.1659C>G, p.Ala553= (NM_001318831.2, NM_001406680.1, NM_001406682.1 and 6 more transcripts); c.2292C>G, p.Ala764= (NM_001318832.2); c.2349C>G, p.Ala783= (NM_001406667.1, NM_001406668.1); c.2247C>G, p.Ala749= (NM_001406671.1, NM_001406673.1); c.2202C>G, p.Ala734= (NM_001406677.1); and 3 more.
Identifiers: ClinVar variation 3050259 (VCV003050259.4), dbSNP rs1382268457, ClinGen allele CA492952399.
Genomic context (GRCh38, chr16:2,072,887, plus strand): 5'-CATGCCTGGATTTGGTCATCAGCTTTCAGGCCCAAAGACACTGGAGCGGCTCCGAGGCGC[C>G]CCAGAAGGCTTCTCCAGAACTGACTTGCACCTGGCCGTGGTTCCAGTGCTGACAGCATTA-3'
Protein context (NP_000539.2, residues 743-763): GPKTLERLRG[Ala753=]PEGFSRTDLH